The following is an entry in ClinVar:

NM_000059.4(BRCA2):c.6479A>T (p.Gln2160Leu)

Gene: BRCA2 (BRCA2 DNA repair associated; plus strand). Cytogenetic location: 13q13.1.
Variant type: single nucleotide variant.
Coding change: c.6479A>T on transcript NM_000059.4 (MANE Select); coding-DNA position 6479, A replaced by T.
Protein change: p.Gln2160Leu; replaces glutamine 2160 with leucine.
Molecular consequence: missense variant. On other transcripts: non-coding transcript variant (1), intron variant (2).
Genome position (GRCh38, 1-based): chr13:32,340,834, A>T. VCF-style: chr13-32340834-A-T. GRCh37 (hg19) VCF-style: chr13-32914971-A-T.
Other names: c.6479A>T, p.Gln2160Leu (NM_001406719.1, NM_001406720.1, NM_001432077.1); c.1910-3724A>T (NM_001406721.1); c.425-3724A>T (NM_001406722.1); short protein forms Q2160L.
Identifiers: ClinVar variation 3992829 (VCV003992829.1).

ClinVar aggregate classification (germline): Uncertain significance (1 of 4 stars; one submission).

Conditions:
Hereditary cancer-predisposing syndrome. Also called: Tumor predisposition; Hereditary neoplastic syndrome; Neoplastic Syndromes, Hereditary; Hereditary Cancer Syndrome. Identifiers: Orphanet 140162, MedGen C0027672, MeSH D009386, MONDO:0015356.

Submission:

Ambry Genetics
Classification: Uncertain significance for Hereditary cancer-predisposing syndrome. Last evaluated: 2025-05-05. Review status: criteria provided, single submitter. Criteria: Ambry Variant Classification Scheme 2023. Collection method: clinical testing. Allele origin: germline.
Comment: The p.Q2160L variant (also known as c.6479A>T), located in coding exon 10 of the BRCA2 gene, results from an A to T substitution at nucleotide position 6479. The glutamine at codon 2160 is replaced by leucine, an amino acid with dissimilar properties. This amino acid position is conserved. In addition, the in silico prediction for this alteration is inconclusive. Based on the available evidence, the clinical significance of this variant remains unclear.